The following is an entry in ClinVar:

NM_002181.4(IHH):c.1169G>T (p.Arg390Leu)

Gene: IHH (Indian hedgehog signaling molecule; minus strand). Cytogenetic location: 2q35.
Variant type: single nucleotide variant.
Coding change: c.1169G>T on transcript NM_002181.4 (MANE Select); coding-DNA position 1169, G replaced by T.
Protein change: p.Arg390Leu; replaces arginine 390 with leucine.
Molecular consequence: missense variant.
Genome position (GRCh38, 1-based): chr2:219,055,274, C>A on the plus strand (G>T on the coding strand, the complement: IHH is on the minus strand). VCF-style: chr2-219055274-C-A. GRCh37 (hg19) VCF-style: chr2-219919996-C-A.
Other names: short protein forms R390L.
Identifiers: ClinVar variation 3631920 (VCV003631920.2).
Genomic context (GRCh38, chr2:219,055,274, plus strand): 5'-CCTGCCCCGGACATGCCCAGTGGGTGGAAGCTGCCCTCTTCTAGCAGGAGACGCCCCAGG[C>A]GGTAGAGCAGCTGGGGGTACCAATGCACACCCTCCCCCGGAGTCCAGCTGCCCCATGCCA-3'
Protein context (NP_002172.2, residues 380-400): GVHWYPQLLY[Arg390Leu]LGRLLLEEGS

ClinVar aggregate classification (germline): Uncertain significance (1 of 4 stars; one submission).

Submission:

Labcorp Genetics (formerly Invitae), Labcorp
Classification: Uncertain significance. Last evaluated: 2024-05-02. Review status: criteria provided, single submitter. Criteria: Invitae Variant Classification Sherloc (09022015). Collection method: clinical testing. Allele origin: germline.
Comment: This sequence change replaces arginine, which is basic and polar, with leucine, which is neutral and non-polar, at codon 390 of the IHH protein (p.Arg390Leu). The frequency data for this variant in the population databases is considered unreliable, as metrics indicate poor data quality at this position in the gnomAD database. This variant has not been reported in the literature in individuals affected with IHH-related conditions. Advanced modeling of protein sequence and biophysical properties (such as structural, functional, and spatial information, amino acid conservation, physicochemical variation, residue mobility, and thermodynamic stability) performed at Invitae indicates that this missense variant is not expected to disrupt IHH protein function with a negative predictive value of 80%. In summary, the available evidence is currently insufficient to determine the role of this variant in disease. Therefore, it has been classified as a Variant of Uncertain Significance.